The following is an entry in ClinVar:

NM_020812.4(DOCK6):c.100C>G (p.His34Asp)

Gene: DOCK6 (dedicator of cytokinesis 6; minus strand). Cytogenetic location: 19p13.2.
Variant type: single nucleotide variant.
Coding change: c.100C>G on transcript NM_020812.4 (MANE Select); coding-DNA position 100, C replaced by G.
Protein change: p.His34Asp; replaces histidine 34 with aspartic acid.
Molecular consequence: missense variant.
Genome position (GRCh38, 1-based): chr19:11,253,671, G>C on the plus strand (C>G on the coding strand, the complement: DOCK6 is on the minus strand). VCF-style: chr19-11253671-G-C. GRCh37 (hg19) VCF-style: chr19-11364347-G-C.
Other names: c.100C>G, p.His34Asp (NM_001367830.1); c.100C>G (NM_020812.2); short protein forms H34D.
Identifiers: ClinVar variation 1028687 (VCV001028687.12), dbSNP rs201065561, ClinGen allele CA9208637.
Genomic context (GRCh38, chr19:11,253,671, plus strand): 5'-GCTGGGGGCGGACCCCCCAAATACTTACCCCCAGGGAGCTGCTGCAGCGCCTGCTGGAGT[G>C]GGGGGAGCCACTGCGTTCCCGGGACACCTGCTTCCGCACCTCTGCGGCCACCGTCCTGGA-3'
Protein context (NP_065863.2, residues 24-44): QVSRERSGSP[His34Asp]SSRRCSSSLG

ClinVar aggregate classification (germline): Conflicting classifications of pathogenicity. Review status: criteria provided, conflicting classifications (1 of 4 stars). 7 submissions from 7 submitters: Uncertain significance (5); Likely benign (1). 1 of the submissions does not count toward it. Last evaluated 2025-06-09.

Conditions:
Adams-Oliver syndrome 2 (AOS2). Identifiers: Orphanet 974, MedGen C3280182, MONDO:0013635, OMIM 614219.
DOCK6-related disorder. Also called: DOCK6-related condition.
Inborn genetic diseases. Identifiers: MedGen C0950123, MeSH D030342.

Allele frequency attached by ClinVar (database versions not stated): 1000 Genomes Project 30x 0.00031; TOPMed 0.00035; 1000 Genomes Project 0.00040.
gnomAD v4.1: 841 of 1,463,512 alleles (0.057%); highest among the groups gnomAD compares: Middle Eastern, 0.41%; 2 homozygotes.

Submissions (7):

Ambry Genetics
Classification: Likely benign for Inborn genetic diseases. Last evaluated: 2025-06-09. Review status: criteria provided, single submitter. Criteria: Ambry Variant Classification Scheme 2023. Collection method: clinical testing. Allele origin: germline.

Blueprint Genetics
Classification: Uncertain significance. Last evaluated: 2024-11-07. Review status: criteria provided, single submitter. Criteria: ACMG Guidelines, 2015. Collection method: clinical testing. Allele origin: germline.

Labcorp Genetics (formerly Invitae), Labcorp
Classification: Uncertain significance. Last evaluated: 2024-01-22. Review status: criteria provided, single submitter. Criteria: Invitae Variant Classification Sherloc (09022015). Collection method: clinical testing. Allele origin: germline.
Comment: This sequence change replaces histidine, which is basic and polar, with aspartic acid, which is acidic and polar, at codon 34 of the DOCK6 protein (p.His34Asp). This variant is present in population databases (rs201065561, gnomAD 0.08%), and has an allele count higher than expected for a pathogenic variant. This variant has not been reported in the literature in individuals affected with DOCK6-related conditions. ClinVar contains an entry for this variant (Variation ID: 1028687). An algorithm developed to predict the effect of missense changes on protein structure and function (PolyPhen-2) suggests that this variant¬†is likely to be tolerated. In summary, the available evidence is currently insufficient to determine the role of this variant in disease. Therefore, it has been classified as a Variant of Uncertain Significance.

Revvity Omics, Revvity
Classification: Uncertain significance for Adams-Oliver syndrome 2. Last evaluated: 2022-07-19. Review status: criteria provided, single submitter. Criteria: ACMG Guidelines, 2015. Collection method: clinical testing. Allele origin: germline.

Baylor Genetics
Classification: Uncertain significance for Adams-Oliver syndrome 2. Last evaluated: 2020-04-22. Review status: criteria provided, single submitter. Criteria: ACMG Guidelines, 2015. Collection method: clinical testing. Allele origin: unknown. Affected: yes.
Comment: This variant was determined to be of uncertain significance according to ACMG Guidelines, 2015 [PMID:25741868].

Daryl Scott Lab, Baylor College of Medicine
Classification: Uncertain significance for Adams-Oliver syndrome 2. Review status: criteria provided, single submitter. Criteria: ACMG Guidelines, 2015. Collection method: clinical testing. Allele origin: maternal. Affected: yes. Observed: 1 compound heterozygote.
Comment: BS2

PreventionGenetics, part of Exact Sciences
Classification: Uncertain significance for DOCK6-related condition. Last evaluated: 2024-01-31. Review status: no assertion criteria provided. Collection method: clinical testing. Allele origin: germline. Not counted in ClinVar's aggregate classification.
Comment: The DOCK6 c.100C>G variant is predicted to result in the amino acid substitution p.His34Asp. To our knowledge, this variant has not been reported in the literature. This variant is reported in 0.083% of alleles in individuals of European (Non-Finnish) descent in gnomAD. This variant could be benign. At this time, the clinical significance of this variant is uncertain due to the absence of conclusive functional and genetic evidence.